The following is an entry in ClinVar:

ClinVar aggregate classification (germline): Pathogenic (1 of 4 stars; one submission).

Submission:

CeGaT Center for Human Genetics Tuebingen
Classification: Pathogenic. Last evaluated: 2023-02-01. Review status: criteria provided, single submitter. Criteria: CeGaT Center For Human Genetics Tuebingen Variant Classification Criteria Version 2. Collection method: clinical testing. Allele origin: germline. Affected: yes. Observed: 1 variant allele.
Comment: FBN1: PM1:Strong, PM2, PM5, PP2, PP3, PP4

NM_000138.5(FBN1):c.6649T>G (p.Cys2217Gly)

Gene: FBN1 (fibrillin 1; minus strand). Cytogenetic location: 15q21.1.
Variant type: single nucleotide variant.
Coding change: c.6649T>G on transcript NM_000138.5 (MANE Select); coding-DNA position 6649, T replaced by G.
Protein change: p.Cys2217Gly; replaces cysteine 2217 with glycine.
Molecular consequence: missense variant.
Genome position (GRCh38, 1-based): chr15:48,432,956, A>C on the plus strand (T>G on the coding strand, the complement: FBN1 is on the minus strand). VCF-style: chr15-48432956-A-C. GRCh37 (hg19) VCF-style: chr15-48725153-A-C.
Other names: c.6649T>G, p.Cys2217Gly (NM_001406716.1); short protein forms C2217G.
Identifiers: ClinVar variation 2498611 (VCV002498611.28), dbSNP rs2505425182, ClinGen allele CA392333608.
Genomic context (GRCh38, chr15:48,432,956, plus strand): 5'-CATATCCCACGGGACATTTGCATTCATATGACCCATAAGTGTTCACACATCGGAAGGCAC[A>C]GAGCAGAGGATTCTGGGCACATTCATTTATATCTGCAGCAGAGGAGAGTAAGTAAATAAG-3'
Protein context (NP_000129.3, residues 2207-2227): INECAQNPLL[Cys2217Gly]AFRCVNTYGS